The following is an entry in ClinVar:

NM_004415.4(DSP):c.852G>A (p.Met284Ile)

Gene: DSP (desmoplakin; plus strand). Cytogenetic location: 6p24.3.
Variant type: single nucleotide variant.
Coding change: c.852G>A on transcript NM_004415.4 (MANE Select); coding-DNA position 852, G replaced by A.
Protein change: p.Met284Ile; replaces methionine 284 with isoleucine.
Molecular consequence: missense variant.
Genome position (GRCh38, 1-based): chr6:7,565,433, G>A. VCF-style: chr6-7565433-G-A. GRCh37 (hg19) VCF-style: chr6-7565666-G-A.
Other names: p.M284I:ATG>ATA; c.852G>A (LRG_423t1); c.852G>A, p.Met284Ile (NM_001008844.3, NM_001319034.2); short protein forms M284I.
Identifiers: ClinVar variation 199854 (VCV000199854.6), dbSNP rs794728110, ClinGen allele CA007714.

ClinVar aggregate classification (germline): Uncertain significance. Review status: criteria provided, multiple submitters, no conflicts (2 of 4 stars). 2 submissions from 2 submitters: Uncertain significance (2). Last evaluated 2023-01-07.

Conditions:
Arrhythmogenic cardiomyopathy with wooly hair and keratoderma. Also called: Carvajal syndrome; Dilated cardiomyopathy with woolly hair and keratoderma; Arrhythmogenic cardiomyopathy with woolly hair and keratoderma; PALMOPLANTAR KERATODERMA WITH LEFT VENTRICULAR CARDIOMYOPATHY AND WOOLLY HAIR. Identifiers: Orphanet 65282, MedGen C1854063, MONDO:0011581, OMIM 605676.
Arrhythmogenic right ventricular dysplasia 8 (ARVD8). Also called: Arrhythmogenic Right Ventricular Dysplasia/Cardiomyopathy 8; ARRHYTHMOGENIC RIGHT VENTRICULAR CARDIOMYOPATHY 8; ARRHYTHMOGENIC RIGHT VENTRICULAR DYSPLASIA, FAMILIAL, 8. Identifiers: MedGen C1843896, MONDO:0011831, OMIM 607450.

Submissions (2):

Labcorp Genetics (formerly Invitae), Labcorp
Classification: Uncertain significance for Arrhythmogenic cardiomyopathy with wooly hair and keratoderma; Arrhythmogenic right ventricular dysplasia 8. Last evaluated: 2023-01-07. Review status: criteria provided, single submitter. Criteria: Invitae Variant Classification Sherloc (09022015). Collection method: clinical testing. Allele origin: germline.
Comment: In summary, the available evidence is currently insufficient to determine the role of this variant in disease. Therefore, it has been classified as a Variant of Uncertain Significance. Algorithms developed to predict the effect of missense changes on protein structure and function are either unavailable or do not agree on the potential impact of this missense change (SIFT: "Deleterious"; PolyPhen-2: "Possibly Damaging"; Align-GVGD: "Class C0"). ClinVar contains an entry for this variant (Variation ID: 199854). This variant has not been reported in the literature in individuals affected with DSP-related conditions. This variant is not present in population databases (gnomAD no frequency). This sequence change replaces methionine, which is neutral and non-polar, with isoleucine, which is neutral and non-polar, at codon 284 of the DSP protein (p.Met284Ile).

GeneDx
Classification: Uncertain significance. Last evaluated: 2019-07-26. Review status: criteria provided, single submitter. Criteria: GeneDx Variant Classification Process June 2021. Collection method: clinical testing. Allele origin: germline. Affected: yes.
Comment: Not observed in large population cohorts (Lek et al., 2016); In silico analysis, which includes protein predictors and evolutionary conservation, supports that this variant does not alter protein structure/function; This variant is associated with the following publications: (PMID: 26071830)